The following is an entry in ClinVar:

NM_001164665.2(KIAA1549):c.1106C>T (p.Ala369Val)

Gene: KIAA1549 (KIAA1549; minus strand). Cytogenetic location: 7q34.
Variant type: single nucleotide variant.
Coding change: c.1106C>T on transcript NM_001164665.2 (MANE Select); coding-DNA position 1106, C replaced by T.
Protein change: p.Ala369Val; replaces alanine 369 with valine.
Molecular consequence: missense variant.
Genome position (GRCh38, 1-based): chr7:138,918,520, G>A on the plus strand (C>T on the coding strand, the complement: KIAA1549 is on the minus strand). VCF-style: chr7-138918520-G-A. GRCh37 (hg19) VCF-style: chr7-138603266-G-A.
Other names: c.1106C>T, p.Ala369Val (NM_020910.3); short protein forms A369V.
Identifiers: ClinVar variation 955427 (VCV000955427.9), dbSNP rs755135715, ClinGen allele CA4506798.
Genomic context (GRCh38, chr7:138,918,520, plus strand): 5'-TTGCTGGAGTCGCTAGGGAGAAAGGGGTTAGATGAAACATCAGTTGGTGAAGCAGAGGAC[G>A]CAAATGCAAGAGGAGTTGAAAGCAATGGAGAATGTGTCCTGCTGAATGCAAGGGCTGCGT-3'
Protein context (NP_001158137.1, residues 359-379): SPLLSTPLAF[Ala369Val]SSASPTDVSS

ClinVar aggregate classification (germline): Conflicting classifications of pathogenicity. Review status: criteria provided, conflicting classifications (1 of 4 stars). 3 submissions from 3 submitters: Uncertain significance (2); Likely benign (1). Last evaluated 2024-11-07.

Conditions:
Inborn genetic diseases. Identifiers: MedGen C0950123, MeSH D030342.

Allele frequency attached by ClinVar (database versions not stated): gnomAD 0.00002; gnomAD exomes 0.00003 and 0.00004; TOPMed 0.00004; ExAC 0.00006.
gnomAD v4.1: 52 of 1,613,928 alleles (0.0032%); highest among the groups gnomAD compares: Non-Finnish European, 0.0039%; no homozygotes.

Submissions (3):

Blueprint Genetics
Classification: Uncertain significance. Last evaluated: 2024-11-07. Review status: criteria provided, single submitter. Criteria: ACMG Guidelines, 2015. Collection method: clinical testing. Allele origin: germline.

Ambry Genetics
Classification: Likely benign for Inborn genetic diseases. Last evaluated: 2023-05-15. Review status: criteria provided, single submitter. Criteria: Ambry Variant Classification Scheme 2023. Collection method: clinical testing. Allele origin: germline.

Labcorp Genetics (formerly Invitae), Labcorp
Classification: Uncertain significance. Last evaluated: 2022-10-17. Review status: criteria provided, single submitter. Criteria: Invitae Variant Classification Sherloc (09022015). Collection method: clinical testing. Allele origin: germline.
Comment: This sequence change replaces alanine, which is neutral and non-polar, with valine, which is neutral and non-polar, at codon 369 of the KIAA1549 protein (p.Ala369Val). This variant is present in population databases (rs755135715, gnomAD 0.007%). This variant has not been reported in the literature in individuals affected with KIAA1549-related conditions. ClinVar contains an entry for this variant (Variation ID: 955427). Algorithms developed to predict the effect of missense changes on protein structure and function output the following: SIFT: "Tolerated"; PolyPhen-2: "Benign"; Align-GVGD: "Class C0". The valine amino acid residue is found in multiple mammalian species, which suggests that this missense change does not adversely affect protein function. In summary, the available evidence is currently insufficient to determine the role of this variant in disease. Therefore, it has been classified as a Variant of Uncertain Significance.